The following is an entry in ClinVar:

NM_020877.5(DNAH2):c.13164C>T (p.Asn4388=)

Gene: DNAH2 (dynein axonemal heavy chain 2; plus strand). Cytogenetic location: 17p13.1.
Variant type: single nucleotide variant.
Coding change: c.13164C>T on transcript NM_020877.5 (MANE Select); coding-DNA position 13164, C replaced by T.
Protein change: p.Asn4388=; no amino-acid change (asparagine 4388 retained).
Molecular consequence: synonymous variant.
Genome position (GRCh38, 1-based): chr17:7,833,413, C>T. VCF-style: chr17-7833413-C-T. GRCh37 (hg19) VCF-style: chr17-7736731-C-T.
Identifiers: ClinVar variation 3053299 (VCV003053299.2), dbSNP rs201369730, ClinGen allele CA8359976.

ClinVar aggregate classification (germline): Likely benign (0 of 4 stars; one submission).

Conditions:
DNAH2-related disorder. Also called: DNAH2-related condition.

Allele frequency attached by ClinVar (database versions not stated): gnomAD exomes 0.00020; gnomAD 0.00042; TOPMed 0.00049; ExAC 0.00077; 1000 Genomes Project 0.00200; 1000 Genomes Project 30x 0.00250.
gnomAD v4.1: 439 of 1,614,210 alleles (0.027%); highest among the groups gnomAD compares: East Asian, 0.7%; 6 homozygotes.

Submission:

PreventionGenetics, part of Exact Sciences
Classification: Likely benign for DNAH2-related condition. Last evaluated: 2019-03-27. Review status: no assertion criteria provided. Collection method: clinical testing. Allele origin: germline.
Comment: This variant is classified as likely benign based on ACMG/AMP sequence variant interpretation guidelines (Richards et al. 2015 PMID: 25741868, with internal and published modifications).